The following is an entry in ClinVar:

NM_001085458.2(CTNND1):c.2342C>T (p.Thr781Ile)

Genes: CTNND1 (catenin delta 1; plus strand), TMX2-CTNND1 (TMX2-CTNND1 readthrough (NMD candidate); plus strand). Cytogenetic location: 11q12.1.
Variant type: single nucleotide variant.
Coding change: c.2342C>T on transcript NM_001085458.2 (MANE Select); coding-DNA position 2342, C replaced by T.
Protein change: p.Thr781Ile; replaces threonine 781 with isoleucine.
Molecular consequence: missense variant. On other transcripts: non-coding transcript variant (1).
Genome position (GRCh38, 1-based): chr11:57,809,373, C>T. VCF-style: chr11-57809373-C-T. GRCh37 (hg19) VCF-style: chr11-57576845-C-T.
Other names: c.2324C>T, p.Thr775Ile (NM_001085459.2, NM_001085460.2, NM_001085461.2 and 2 more transcripts); c.2039C>T, p.Thr680Ile (NM_001085463.2, NM_001085466.2); c.2021C>T, p.Thr674Ile (NM_001085464.2, NM_001085465.2, NM_001085467.2 and 3 more transcripts); c.2180C>T, p.Thr727Ile (NM_001206883.2, NM_001206884.2); c.2342C>T, p.Thr781Ile (NM_001206885.2); c.2162C>T, p.Thr721Ile (NM_001206886.2, NM_001206887.2, NM_001206888.2 and 2 more transcripts); short protein forms T674I, T680I, T721I, T727I, T775I, T781I.
Identifiers: ClinVar variation 3348313 (VCV003348313.1).

ClinVar aggregate classification (germline): Uncertain significance (0 of 4 stars; one submission).

Conditions:
CTNND1-related disorder. Also called: CTNND1-related condition.

Submission:

PreventionGenetics, part of Exact Sciences
Classification: Uncertain significance for CTNND1-related condition. Last evaluated: 2024-04-01. Review status: no assertion criteria provided. Collection method: clinical testing. Allele origin: germline.
Comment: The CTNND1 c.2342C>T variant is predicted to result in the amino acid substitution p.Thr781Ile. To our knowledge, this variant has not been reported in the literature or in a large population database, indicating this variant is rare. At this time, the clinical significance of this variant is uncertain due to the absence of conclusive functional and genetic evidence.